The following is an entry in ClinVar:

ClinVar aggregate classification (germline): Uncertain significance. Review status: criteria provided, multiple submitters, no conflicts (2 of 4 stars). 2 submissions from 2 submitters: Uncertain significance (2). Last evaluated 2025-08-17.

Conditions:
Congenital contractural arachnodactyly (CCA). Also called: Arthrogryposis, distal, type 9; BEALS SYNDROME; Beals-Hecht syndrome. Identifiers: Orphanet 115, MedGen C0220668, MONDO:0007363, OMIM 121050.

gnomAD v4.1: 11 of 1,613,872 alleles (0.00068%); highest among the groups gnomAD compares: Non-Finnish European, 0.00085%; no homozygotes.

Submissions (2):

Labcorp Genetics (formerly Invitae), Labcorp
Classification: Uncertain significance for Congenital contractural arachnodactyly. Last evaluated: 2025-08-17. Review status: criteria provided, single submitter. Criteria: Invitae Variant Classification Sherloc (09022015). Collection method: clinical testing. Allele origin: germline.
Comment: This sequence change replaces proline, which is neutral and non-polar, with serine, which is neutral and polar, at codon 685 of the FBN2 protein (p.Pro685Ser). This variant is present in population databases (rs141291125, gnomAD 0.0009%). This variant has not been reported in the literature in individuals affected with FBN2-related conditions. ClinVar contains an entry for this variant (Variation ID: 3369826). Invitae Evidence Modeling of protein sequence and biophysical properties (such as structural, functional, and spatial information, amino acid conservation, physicochemical variation, residue mobility, and thermodynamic stability) indicates that this missense variant is not expected to disrupt FBN2 protein function with a negative predictive value of 80%. In summary, the available evidence is currently insufficient to determine the role of this variant in disease. Therefore, it has been classified as a Variant of Uncertain Significance.

GeneDx
Classification: Uncertain significance. Last evaluated: 2024-02-27. Review status: criteria provided, single submitter. Criteria: GeneDx Variant Classification Process June 2021. Collection method: clinical testing. Allele origin: germline. Affected: yes.
Comment: Not observed at significant frequency in large population cohorts (gnomAD); In silico analysis supports that this missense variant does not alter protein structure/function; Has not been previously published as pathogenic or benign to our knowledge; Although located in a calcium-binding EGF-like domain of the FBN2 gene, it does not substitute or introduce a cysteine residue (PMID: 18767143, 19006240); This variant is associated with the following publications: (PMID: 18767143, 19006240)

NM_001999.4(FBN2):c.2053C>T (p.Pro685Ser)

Gene: FBN2 (fibrillin 2; minus strand). Cytogenetic location: 5q23.3.
Variant type: single nucleotide variant.
Coding change: c.2053C>T on transcript NM_001999.4 (MANE Select); coding-DNA position 2053, C replaced by T.
Protein change: p.Pro685Ser; replaces proline 685 with serine.
Molecular consequence: missense variant.
Genome position (GRCh38, 1-based): chr5:128,374,670, G>A on the plus strand (C>T on the coding strand, the complement: FBN2 is on the minus strand). VCF-style: chr5-128374670-G-A. GRCh37 (hg19) VCF-style: chr5-127710363-G-A.
Other names: short protein forms P685S.
Identifiers: ClinVar variation 3369826 (VCV003369826.2).
Genomic context (GRCh38, chr5:128,374,670, plus strand): 5'-ATAAAATGTTTCACTTACCAACACACACACGTCCATCCATGCCCACAGCCAGGCCTGGGG[G>A]ACAGTCACAGCGGAAGGACCCTTCACTGTTGATGCAGTGCCCATTCATGCAGATTCCTGG-3'
Protein context (NP_001990.2, residues 675-695): NSEGSFRCDC[Pro685Ser]PGLAVGMDGR